The following is an entry in ClinVar:

ClinVar aggregate classification (germline): Uncertain significance (1 of 4 stars; one submission).

Allele frequency attached by ClinVar (database versions not stated): TOPMed 0.00001.

Submission:

Labcorp Genetics (formerly Invitae), Labcorp
Classification: Uncertain significance. Last evaluated: 2022-09-01. Review status: criteria provided, single submitter. Criteria: Invitae Variant Classification Sherloc (09022015). Collection method: clinical testing. Allele origin: germline.
Comment: ClinVar contains an entry for this variant (Variation ID: 1485068). This variant has not been reported in the literature in individuals affected with OPHN1-related conditions. This variant is not present in population databases (gnomAD no frequency). This sequence change replaces serine, which is neutral and polar, with proline, which is neutral and non-polar, at codon 774 of the OPHN1 protein (p.Ser774Pro). In summary, the available evidence is currently insufficient to determine the role of this variant in disease. Therefore, it has been classified as a Variant of Uncertain Significance. Algorithms developed to predict the effect of missense changes on protein structure and function are either unavailable or do not agree on the potential impact of this missense change (SIFT: "Tolerated"; PolyPhen-2: "Probably Damaging"; Align-GVGD: "Class C0").

NM_002547.3(OPHN1):c.2320T>C (p.Ser774Pro)

Gene: OPHN1 (oligophrenin 1; minus strand). Cytogenetic location: Xq12.
Variant type: single nucleotide variant.
Coding change: c.2320T>C on transcript NM_002547.3 (MANE Select); coding-DNA position 2320, T replaced by C.
Protein change: p.Ser774Pro; replaces serine 774 with proline.
Molecular consequence: missense variant.
Genome position (GRCh38, 1-based): chrX:68,053,649, A>G on the plus strand (T>C on the coding strand, the complement: OPHN1 is on the minus strand). VCF-style: chrX-68053649-A-G. GRCh37 (hg19) VCF-style: chrX-67273491-A-G.
Other names: short protein forms S774P.
Identifiers: ClinVar variation 1485068 (VCV001485068.6), dbSNP rs2076860838, ClinGen allele CA413429764.